The following is an entry in ClinVar:

NM_182961.4(SYNE1):c.13724G>T (p.Cys4575Phe)

Gene: SYNE1 (spectrin repeat containing nuclear envelope protein 1; minus strand). Cytogenetic location: 6q25.2.
Variant type: single nucleotide variant.
Coding change: c.13724G>T on transcript NM_182961.4 (MANE Select); coding-DNA position 13724, G replaced by T.
Protein change: p.Cys4575Phe; replaces cysteine 4575 with phenylalanine.
Molecular consequence: missense variant.
Genome position (GRCh38, 1-based): chr6:152,330,961, C>A on the plus strand (G>T on the coding strand, the complement: SYNE1 is on the minus strand). VCF-style: chr6-152330961-C-A. GRCh37 (hg19) VCF-style: chr6-152652096-C-A.
Other names: c.13511G>T, p.Cys4504Phe (NM_033071.5); short protein forms C4575F, C4504F.
Identifiers: ClinVar variation 355874 (VCV000355874.16), dbSNP rs199701902, ClinGen allele CA4056131.

ClinVar aggregate classification (germline): Conflicting classifications of pathogenicity. Review status: criteria provided, conflicting classifications (1 of 4 stars). 5 submissions from 4 submitters: Uncertain significance (3); Benign (1); Likely benign (1). Last evaluated 2025-11-18.

Conditions:
Autosomal recessive ataxia, Beauce type. Also called: SYNE1 Deficiency; SYNE1-Related Autosomal Recessive Cerebellar Ataxia; Spinocerebellar ataxia, autosomal recessive 8; ATAXIA, RECESSIVE, OF BEAUCE. Identifiers: Orphanet 88644, MedGen C1853116, MONDO:0012549, OMIM 610743.
Emery-Dreifuss muscular dystrophy 4, autosomal dominant (EDMD4). Also called: EMERY-DREIFUSS MUSCULAR DYSTROPHY 4 WITH VARIABLE FEATURES. Identifiers: Orphanet 261, MedGen C2751807, MONDO:0013071, OMIM 612998.

Allele frequency attached by ClinVar (database versions not stated): gnomAD 0.00011 and 0.00014; TOPMed 0.00023; ExAC 0.00024; gnomAD exomes 0.00027; 1000 Genomes Project 30x 0.00047; 1000 Genomes Project 0.00060.
gnomAD v4.1: 150 of 1,614,160 alleles (0.0093%); highest among the groups gnomAD compares: East Asian, 0.31%; no homozygotes.

Submissions (5):

Labcorp Genetics (formerly Invitae), Labcorp
Classification: Likely benign for Emery-Dreifuss muscular dystrophy 4, autosomal dominant; Autosomal recessive ataxia, Beauce type. Last evaluated: 2025-11-18. Review status: criteria provided, single submitter. Criteria: Invitae Variant Classification Sherloc (09022015). Collection method: clinical testing. Allele origin: germline.

Illumina Laboratory Services, Illumina
Classification: Uncertain significance for Autosomal recessive ataxia, Beauce type. Last evaluated: 2018-01-13. Review status: criteria provided, single submitter. Criteria: ICSL Variant Classification Criteria 13 December 2019. Collection method: clinical testing. Allele origin: germline.

Illumina Laboratory Services, Illumina
Classification: Benign for Emery-Dreifuss muscular dystrophy 4, autosomal dominant. Last evaluated: 2018-01-13. Review status: criteria provided, single submitter. Criteria: ICSL Variant Classification Criteria 13 December 2019. Collection method: clinical testing. Allele origin: germline.
Comment: This variant was observed in the ICSL laboratory as part of a predisposition screen in an ostensibly healthy population. It had not been previously curated by ICSL or reported in the Human Gene Mutation Database (HGMD: prior to June 1st, 2018), and was therefore a candidate for classification through an automated scoring system. Utilizing variant allele frequency, disease prevalence and penetrance estimates, and inheritance mode, an automated score was calculated to assess if this variant is too frequent to cause the disease. Based on the score and internal cut-off values, a variant classified as benign is not then subjected to further curation. The score for this variant resulted in a classification of benign for this disease.

GeneDx
Classification: Uncertain significance. Last evaluated: 2017-07-20. Review status: criteria provided, single submitter. Criteria: GeneDx Variant Classification (06012015). Collection method: clinical testing. Allele origin: germline. Affected: yes.
Comment: The C4504F variant has not been published as a pathogenic variant, nor has it been reported as a benign variant to our knowledge. The C4504F variant is observed in 29/8,654 (0.34%) alleles from individuals of East Asian background (Lek et al., 2016; 1000 Genomes Consortium et al., 2015; Exome Variant Server). This variant is a non-conservative amino acid substitution, which is likely to impact secondary protein structure as these residues differ in polarity, charge, size and/or other properties. This substitution occurs at a position that is conserved in mammals, and in silico analysis predicts this variant is probably damaging to the protein structure/function. However, missense variants in nearby residues have not been reported in the Human Gene Mutation Database in association with SYNE1-related disorders (Stenson et al., 2014).

Athena Diagnostics
Classification: Uncertain significance. Last evaluated: 2016-09-08. Review status: criteria provided, single submitter. Criteria: Athena Diagnostics Criteria. Collection method: clinical testing. Allele origin: germline.